The following is an entry in ClinVar:

NM_014208.3(DSPP):c.3214A>T (p.Ser1072Cys)

Genes: DMP1-AS1 (DMP1 and DSPP antisense RNA 1; minus strand), DSPP (dentin sialophosphoprotein; plus strand). Cytogenetic location: 4q22.1.
Variant type: single nucleotide variant.
Coding change: c.3214A>T on transcript NM_014208.3 (MANE Select); coding-DNA position 3214, A replaced by T.
Protein change: p.Ser1072Cys; replaces serine 1072 with cysteine.
Molecular consequence: missense variant.
Genome position (GRCh38, 1-based): chr4:87,615,876, A>T. VCF-style: chr4-87615876-A-T. GRCh37 (hg19) VCF-style: chr4-88537028-A-T.
Other names: short protein forms S1072C.
Identifiers: ClinVar variation 1878355 (VCV001878355.2), dbSNP rs1727898191, ClinGen allele CA357611800.
Genomic context (GRCh38, chr4:87,615,876, plus strand): 5'-AGTGACAGCAGCAATAGCAGTGACAGCAGTGACAGCAGCGACAGCAGTGATAGCAGTGAC[A>T]GCAGTGACAGCAGCGACAGCAGTGATAGCAGTGAAAGCAGTGATAGCAGTGACAGCAGCA-3'
Protein context (NP_055023.2, residues 1062-1082): DSSDSSDSSD[Ser1072Cys]SDSSDSSDSS

ClinVar aggregate classification (germline): Uncertain significance. Review status: criteria provided, multiple submitters, no conflicts (2 of 4 stars). 2 submissions from 2 submitters: Uncertain significance (2). Last evaluated 2025-09-25.

Conditions:
Inborn genetic diseases. Identifiers: MedGen C0950123, MeSH D030342.

Submissions (2):

Ambry Genetics
Classification: Uncertain significance for Inborn genetic diseases. Last evaluated: 2025-09-25. Review status: criteria provided, single submitter. Criteria: Ambry Variant Classification Scheme 2023. Collection method: clinical testing. Allele origin: germline.

Women's Health and Genetics/Laboratory Corporation of America, LabCorp
Classification: Uncertain significance. Last evaluated: 2022-12-21. Review status: criteria provided, single submitter. Criteria: LabCorp Variant Classification Summary - May 2015. Collection method: clinical testing. Allele origin: germline.
Comment: Variant summary: DSPP c.3214A>T (p.Ser1072Cys) results in a non-conservative amino acid change in the encoded protein sequence. Three of five in-silico tools predict a damaging effect of the variant on protein function. The variant was absent in 150554 control chromosomes (gnomAD). The available data on variant occurrences in the general population are insufficient to allow any conclusion about variant significance. To our knowledge, no occurrence of c.3214A>T in individuals affected with Dentinogenesis Imperfecta Type 2 and no experimental evidence demonstrating its impact on protein function have been reported. No clinical diagnostic laboratories have submitted clinical-significance assessments for this variant to ClinVar after 2014. Based on the evidence outlined above, the variant was classified as uncertain significance.